The following is an entry in ClinVar:

ClinVar aggregate classification (germline): Pathogenic/Likely pathogenic. Review status: criteria provided, multiple submitters, no conflicts (2 of 4 stars). 3 submissions from 3 submitters: Pathogenic (2); Likely pathogenic (1). Last evaluated 2024-11-18.

Conditions:
Autosomal recessive nonsyndromic hearing loss 3. Also called: NEUROSENSORY NONSYNDROMIC RECESSIVE DEAFNESS 3. Identifiers: Orphanet 90636, MedGen C1838263, MONDO:0010860, OMIM 600316.
MYO15A-related disorder. Also called: MYO15A-related condition.
Inborn genetic diseases. Identifiers: MedGen C0950123, MeSH D030342.

Submissions (3):

Blueprint Genetics
Classification: Likely pathogenic for MYO15A-related disorders. Last evaluated: 2024-11-18. Review status: criteria provided, single submitter. Criteria: ACMG Guidelines, 2015. Collection method: clinical testing. Allele origin: germline. Affected: yes. Observed: 2 variant alleles.

Labcorp Genetics (formerly Invitae), Labcorp
Classification: Pathogenic. Last evaluated: 2024-01-29. Review status: criteria provided, single submitter. Criteria: Invitae Variant Classification Sherloc (09022015). Collection method: clinical testing. Allele origin: germline.
Comment: This sequence change creates a premature translational stop signal (p.Leu555Profs*6) in the MYO15A gene. It is expected to result in an absent or disrupted protein product. Loss-of-function variants in MYO15A are known to be pathogenic (PMID: 17546645). This variant is not present in population databases (gnomAD no frequency). This variant has not been reported in the literature in individuals affected with MYO15A-related conditions. ClinVar contains an entry for this variant (Variation ID: 521500). For these reasons, this variant has been classified as Pathogenic.

Ambry Genetics
Classification: Pathogenic for Inborn genetic diseases. Last evaluated: 2017-05-02. Review status: criteria provided, single submitter. Criteria: Ambry exome assertion method (8-5-2015). Collection method: clinical testing. Allele origin: germline. Affected: yes. Observed: 1 variant allele.

Literature cited by the submitters: PubMed 17546645 (cited by Labcorp Genetics (formerly Invitae), Labcorp).

NM_016239.4(MYO15A):c.1661dup (p.Leu555fs)

Gene: MYO15A (myosin XVA; plus strand). Cytogenetic location: 17p11.2.
Variant type: Duplication.
Coding change: c.1661dup on transcript NM_016239.4 (MANE Select); coding-DNA position 1661, one base duplicated (G; older notation c.1661dupG).
Protein change: p.Leu555fs; shifts the reading frame from leucine 555.
Molecular consequence: frameshift variant.
Genome position (GRCh38, 1-based): chr17:18,120,461, G duplicated; the last of 4 consecutive G bases (chr17:18,120,458-18,120,461); duplicating any one gives the same sequence. VCF-style (leftmost placement, unchanged base first): chr17-18120457-C-CG. GRCh37 (hg19) VCF-style: chr17-18023771-C-CG.
Other names: c.1661dupG (NM_016239.3); short protein forms L555fs.
Identifiers: ClinVar variation 521500 (VCV000521500.9), dbSNP rs1245338270, ClinGen allele CA658798738.